The following is an entry in ClinVar:

NM_001042517.2(DIAPH3):c.1691C>A (p.Pro564His)

Gene: DIAPH3 (diaphanous related formin 3; minus strand). Cytogenetic location: 13q21.2.
Variant type: single nucleotide variant.
Coding change: c.1691C>A on transcript NM_001042517.2 (MANE Select); coding-DNA position 1691, C replaced by A.
Protein change: p.Pro564His; replaces proline 564 with histidine.
Molecular consequence: missense variant.
Genome position (GRCh38, 1-based): chr13:59,971,120, G>T on the plus strand (C>A on the coding strand, the complement: DIAPH3 is on the minus strand). VCF-style: chr13-59971120-G-T. GRCh37 (hg19) VCF-style: chr13-60545254-G-T.
Other names: c.1658C>A, p.Pro553His (NM_001258366.2); c.1553C>A, p.Pro518His (NM_001258367.2); c.1481C>A, p.Pro494His (NM_001258368.2); c.1691C>A, p.Pro564His (NM_001258369.2); c.902C>A, p.Pro301His (NM_001258370.2, NM_030932.4); short protein forms P301H, P494H, P518H, P564H, P553H.
Identifiers: ClinVar variation 2792243 (VCV002792243.3), dbSNP rs2502251293, ClinGen allele CA388331564.
Genomic context (GRCh38, chr13:59,971,120, plus strand): 5'-CCAGAAGGCAGTGGAGGCGGAGGAGGAAGTGCTGAGTGGCCAGTTCCACCTTCTTTAGAG[G>T]GAGGCAAAGGAATATTACAATCAGCTGGCAAGGCACCAAACTGGAGAAAAAAACAATAAG-3'
Protein context (NP_001035982.1, residues 554-574): LPADCNIPLP[Pro564His]SKEGGTGHSA

ClinVar aggregate classification (germline): Uncertain significance (1 of 4 stars; one submission).

Submission:

Labcorp Genetics (formerly Invitae), Labcorp
Classification: Uncertain significance. Last evaluated: 2023-10-07. Review status: criteria provided, single submitter. Criteria: Invitae Variant Classification Sherloc (09022015). Collection method: clinical testing. Allele origin: germline.
Comment: This sequence change replaces proline, which is neutral and non-polar, with histidine, which is basic and polar, at codon 564 of the DIAPH3 protein (p.Pro564His). This variant is not present in population databases (gnomAD no frequency). This variant has not been reported in the literature in individuals affected with DIAPH3-related conditions. An algorithm developed to predict the effect of missense changes on protein structure and function (PolyPhen-2) suggests that this variant is likely to be tolerated. Algorithms developed to predict the effect of sequence changes on RNA splicing suggest that this variant may disrupt the consensus splice site. In summary, the available evidence is currently insufficient to determine the role of this variant in disease. Therefore, it has been classified as a Variant of Uncertain Significance.